The following is an entry in ClinVar:

NM_004935.4(CDK5):c.711+8G>T

Gene: CDK5 (cyclin dependent kinase 5; minus strand). Cytogenetic location: 7q36.1.
Variant type: single nucleotide variant.
Coding change: c.711+8G>T on transcript NM_004935.4 (MANE Select); 8 bases into the intron after coding-DNA position 711, G replaced by T.
Molecular consequence: intron variant.
Genome position (GRCh38, 1-based): chr7:151,054,397, C>A on the plus strand (G>T on the coding strand, the complement: CDK5 is on the minus strand). VCF-style: chr7-151054397-C-A. GRCh37 (hg19) VCF-style: chr7-150751484-C-A.
Other names: c.615+8G>T (NM_001164410.3); c.711+8G>T (NM_004935.3).
Identifiers: ClinVar variation 2075260 (VCV002075260.5), dbSNP rs566658552, ClinGen allele CA4570403.
Genomic context (GRCh38, chr7:151,054,397, plus strand): 5'-GATGGAGGCGCTAGGAATGTGAAACGAGTGACCCTGATGAACCATGACCCCCACATTCCC[C>A]ATCACACCTTATAGTCTGGCAGCTTGGTCATAGAGGGCCACTGCTCCTCGGTGGGCGTCC-3'

ClinVar aggregate classification (germline): Benign/Likely benign. Review status: criteria provided, multiple submitters, no conflicts (2 of 4 stars). 2 submissions from 2 submitters: Benign (1); Likely benign (1). Last evaluated 2026-02-10.

Conditions:
CDK5-related disorder. Also called: CDK5-related condition.

Allele frequency attached by ClinVar (database versions not stated): TOPMed 0.00003; gnomAD 0.00010; 1000 Genomes Project 0.00040; 1000 Genomes Project 30x 0.00047; ExAC 0.00055.
gnomAD v4.1: 431 of 1,613,374 alleles (0.027%); highest among the groups gnomAD compares: South Asian, 0.41%; 7 homozygotes.

Submissions (2):

PreventionGenetics, part of Exact Sciences
Classification: Likely benign for CDK5-related condition. Last evaluated: 2026-02-10. Review status: criteria provided, single submitter. Criteria: ACMG Guidelines, 2015. Collection method: clinical testing. Allele origin: germline.
Comment: This variant is classified as likely benign based on ACMG/AMP sequence variant interpretation guidelines (Richards et al. 2015 PMID: 25741868, with internal and published modifications).

Labcorp Genetics (formerly Invitae), Labcorp
Classification: Benign. Last evaluated: 2024-05-27. Review status: criteria provided, single submitter. Criteria: Invitae Variant Classification Sherloc (09022015). Collection method: clinical testing. Allele origin: germline.